The following is an entry in ClinVar:

ClinVar aggregate classification (germline): Likely benign (1 of 4 stars; one submission).

Allele frequency attached by ClinVar (database versions not stated): 1000 Genomes Project 30x 0.00328; gnomAD exomes 0.00373; TOPMed 0.00282; 1000 Genomes Project 0.00319; ExAC 0.00413; ESP Exome Variant Server 0.00323; gnomAD 0.00370.
gnomAD v4.1: 5,968 of 1,613,054 alleles (0.37%); highest among the groups gnomAD compares: Non-Finnish European, 0.41%; 22 homozygotes.

Submission:

CeGaT Center for Human Genetics Tuebingen
Classification: Likely benign. Last evaluated: 2023-02-01. Review status: criteria provided, single submitter. Criteria: CeGaT Center For Human Genetics Tuebingen Variant Classification Criteria Version 2. Collection method: clinical testing. Allele origin: germline. Affected: yes. Observed: 1 variant allele.
Comment: WHR1: BP4, BS2

NM_032454.1(WHR1):c.125C>T (p.Ala42Val)

Genes: DXO (decapping exoribonuclease; minus strand), WHR1 (winged helix repair factor 1; plus strand). Cytogenetic location: 6p21.33.
Variant type: single nucleotide variant.
Coding change: c.125C>T on transcript NM_032454.1; coding-DNA position 125, C replaced by T.
Protein change: p.Ala42Val; replaces alanine 42 with valine.
Molecular consequence: missense variant. On other transcripts: 5 prime UTR variant (6), non-coding transcript variant (5).
Genome position (GRCh38, 1-based): chr6:31,972,121, C>T. VCF-style: chr6-31972121-C-T. GRCh37 (hg19) VCF-style: chr6-31939898-C-T.
Other names: c.-809G>A (NM_001371205.1); c.-651G>A (NM_001371206.1); c.-446G>A (NM_001438478.1); c.-243G>A (NM_001438479.1); c.-389G>A (NM_001438480.1); c.-199G>A (NM_005510.4); short protein forms A42V.
Identifiers: ClinVar variation 2656433 (VCV002656433.22), dbSNP rs80001134, ClinGen allele CA3730541.